The following is an entry in ClinVar:

NM_032608.7(MYO18B):c.1273A>G (p.Met425Val)

Gene: MYO18B (myosin XVIIIB; plus strand). Cytogenetic location: 22q12.1.
Variant type: single nucleotide variant.
Coding change: c.1273A>G on transcript NM_032608.7 (MANE Select); coding-DNA position 1273, A replaced by G.
Protein change: p.Met425Val; replaces methionine 425 with valine.
Molecular consequence: missense variant.
Genome position (GRCh38, 1-based): chr22:25,769,189, A>G. VCF-style: chr22-25769189-A-G. GRCh37 (hg19) VCF-style: chr22-26165156-A-G.
Other names: c.1273A>G, p.Met425Val (NM_001318245.2); short protein forms M425V.
Identifiers: ClinVar variation 3029312 (VCV003029312.2), dbSNP rs1052503058, ClinGen allele CA322779800.

ClinVar aggregate classification (germline): Uncertain significance (0 of 4 stars; one submission).

Conditions:
MYO18B-related disorder. Also called: MYO18B-related condition.

Allele frequency attached by ClinVar (database versions not stated): gnomAD exomes below 0.00001; gnomAD 0.00001; TOPMed 0.00002.
gnomAD v4.1: 7 of 1,610,598 alleles (0.00043%); highest among the groups gnomAD compares: African/African-American, 0.004%; no homozygotes.

Submission:

PreventionGenetics, part of Exact Sciences
Classification: Uncertain significance for MYO18B-related condition. Last evaluated: 2024-01-17. Review status: no assertion criteria provided. Collection method: clinical testing. Allele origin: germline.
Comment: The MYO18B c.1273A>G variant is predicted to result in the amino acid substitution p.Met425Val. To our knowledge, this variant has not been reported in the literature. This variant is reported in 0.0068% of alleles in individuals of African descent in gnomAD. At this time, the clinical significance of this variant is uncertain due to the absence of conclusive functional and genetic evidence.